The following is an entry in ClinVar:

ClinVar aggregate classification (germline): Uncertain significance. Review status: criteria provided, multiple submitters, no conflicts (2 of 4 stars). 3 submissions from 3 submitters: Uncertain significance (3). Last evaluated 2025-07-30.

Conditions:
Mitochondrial DNA depletion syndrome 13. Also called: FBXL4-Related Encephalomyopathic Mitochondrial DNA Depletion Syndrome; Mitochondrial DNA depletion syndrome 13 (encephalomyopathic type). Identifiers: Orphanet 369897, MedGen C3809592, MONDO:0014198, OMIM 615471.

Allele frequency attached by ClinVar (database versions not stated): gnomAD 0.00004; TOPMed 0.00004; ExAC 0.00005; gnomAD exomes 0.00006 and 0.00010; ESP Exome Variant Server 0.00015.
gnomAD v4.1: 150 of 1,613,838 alleles (0.0093%); highest among the groups gnomAD compares: Non-Finnish European, 0.012%; no homozygotes.

Submissions (3):

GeneDx
Classification: Uncertain significance. Last evaluated: 2025-07-30. Review status: criteria provided, single submitter. Criteria: GeneDx Variant Classification Process June 2021. Collection method: clinical testing. Allele origin: germline. Affected: yes.
Comment: Not observed at significant frequency in large population cohorts (gnomAD); In silico analysis suggests that this missense variant does not alter protein structure/function; Has not been previously published as pathogenic or benign to our knowledge

Labcorp Genetics (formerly Invitae), Labcorp
Classification: Uncertain significance. Last evaluated: 2024-09-28. Review status: criteria provided, single submitter. Criteria: Invitae Variant Classification Sherloc (09022015). Collection method: clinical testing. Allele origin: germline.
Comment: This sequence change replaces alanine, which is neutral and non-polar, with aspartic acid, which is acidic and polar, at codon 405 of the FBXL4 protein (p.Ala405Asp). This variant is present in population databases (rs140490040, gnomAD 0.01%). This variant has not been reported in the literature in individuals affected with FBXL4-related conditions. ClinVar contains an entry for this variant (Variation ID: 437714). Invitae Evidence Modeling of protein sequence and biophysical properties (such as structural, functional, and spatial information, amino acid conservation, physicochemical variation, residue mobility, and thermodynamic stability) indicates that this missense variant is not expected to disrupt FBXL4 protein function with a negative predictive value of 80%. In summary, the available evidence is currently insufficient to determine the role of this variant in disease. Therefore, it has been classified as a Variant of Uncertain Significance.

Wong Mito Lab, Molecular and Human Genetics, Baylor College of Medicine
Classification: Uncertain significance for Mitochondrial DNA depletion syndrome 13. Last evaluated: 2017-08-10. Review status: criteria provided, single submitter. Criteria: ACMG Guidelines, 2015. Collection method: reference population. Allele origin: germline.
Comment: The NM_012160.4:c.1214C>A (NP_036292.2:p.Ala405Asp) [GRCH38: NC_000006.12:g.98899371G>T] variant in FBXL4 gene is interpretated to be a Uncertain Significance - Conflicting Evidence based on ACMG guidelines (PMID: 25741868). This variant meets one or more of the following evidence codes reported in the ACMG-guideline. PM2:This variant is absent in key population databases. BP4:Computational evidence/predictors indicate no impact on the FBXL4 structure, function, or protein-protein interaction. Based on this evidence code ClinGen Pathogenicity Calculator (PMID:28081714) suggested that the variant is Uncertain Significance - Conflicting Evidence.

NM_001278716.2(FBXL4):c.1214C>A (p.Ala405Asp)

Gene: FBXL4 (F-box and leucine rich repeat protein 4; minus strand). Cytogenetic location: 6q16.1.
Variant type: single nucleotide variant.
Coding change: c.1214C>A on transcript NM_001278716.2 (MANE Select); coding-DNA position 1214, C replaced by A.
Protein change: p.Ala405Asp; replaces alanine 405 with aspartic acid.
Molecular consequence: missense variant. On other transcripts: non-coding transcript variant (2).
Genome position (GRCh38, 1-based): chr6:98,899,371, G>T on the plus strand (C>A on the coding strand, the complement: FBXL4 is on the minus strand). VCF-style: chr6-98899371-G-T. GRCh37 (hg19) VCF-style: chr6-99347247-G-T.
Other names: c.1214C>A (NM_012160.3); c.1214C>A, p.Ala405Asp (NM_012160.5); short protein forms A405D.
Identifiers: ClinVar variation 437714 (VCV000437714.5), dbSNP rs140490040, ClinGen allele CA3933502.